The following is an entry in ClinVar:

ClinVar aggregate classification (germline): Uncertain significance (1 of 4 stars; one submission).

gnomAD v4.1: 8 of 1,613,822 alleles (0.0005%); highest among the groups gnomAD compares: Non-Finnish European, 0.00068%; no homozygotes.

Submission:

GeneDx
Classification: Uncertain significance. Last evaluated: 2025-05-28. Review status: criteria provided, single submitter. Criteria: GeneDx Variant Classification Process June 2021. Collection method: clinical testing. Allele origin: germline. Affected: yes.
Comment: Not observed at significant frequency in large population cohorts (gnomAD); In silico analysis suggests that this missense variant does not alter protein structure/function; Has not been previously published as pathogenic or benign to our knowledge

NM_006372.5(SYNCRIP):c.772C>G (p.Gln258Glu)

Gene: SYNCRIP (synaptotagmin binding cytoplasmic RNA interacting protein; minus strand). Cytogenetic location: 6q14.3.
Variant type: single nucleotide variant.
Coding change: c.772C>G on transcript NM_006372.5 (MANE Select); coding-DNA position 772, C replaced by G.
Protein change: p.Gln258Glu; replaces glutamine 258 with glutamic acid.
Molecular consequence: missense variant.
Genome position (GRCh38, 1-based): chr6:85,624,007, G>C on the plus strand (C>G on the coding strand, the complement: SYNCRIP is on the minus strand). VCF-style: chr6-85624007-G-C. GRCh37 (hg19) VCF-style: chr6-86333725-G-C.
Other names: c.478C>G, p.Gln160Glu (NM_001159673.2, NM_001410938.1, NM_001439159.1); c.772C>G, p.Gln258Glu (NM_001159674.2, NM_001159675.2, NM_001159676.2 and 5 more transcripts); c.316C>G, p.Gln106Glu (NM_001253771.2); short protein forms Q106E, Q160E, Q258E.
Identifiers: ClinVar variation 4532578 (VCV004532578.1).